The following is an entry in ClinVar:

ClinVar aggregate classification (germline): Pathogenic. Review status: criteria provided, multiple submitters, no conflicts (2 of 4 stars). 4 submissions from 4 submitters: Pathogenic (4). Last evaluated 2025-01-22.

Conditions:
Familial X-linked hypophosphatemic vitamin D refractory rickets (XLHRD). Also called: X-Linked Hypophosphatemia; Hypophosphatemic Rickets, X-Linked Dominant; HYPOPHOSPHATEMIC VITAMIN D-RESISTANT RICKETS; Hypophosphatemia, vitamin D-resistant rickets; Vitamin D-resistant rickets, X-linked. Identifiers: Orphanet 89936, MedGen C0733682, MONDO:0010619, OMIM 307800.

Submissions (4):

Women's Health and Genetics/Laboratory Corporation of America, LabCorp
Classification: Pathogenic for Familial X-linked hypophosphatemic vitamin D refractory rickets. Last evaluated: 2025-01-22. Review status: criteria provided, single submitter. Criteria: LabCorp Variant Classification Summary - May 2015. Collection method: clinical testing. Allele origin: germline.
Comment: Variant summary: that disrupt the consensus splice site are a relatively common cause of aberrant splicing and loss of PHEX function. Several computational tools predict a significant impact on normal splicing: Four predict the variant abolishes a 5' splicing donor site. However, these predictions have yet to be confirmed by functional studies. The variant was absent in 183119 control chromosomes (gnomAD). c.1768+1G>A has been reported in the literature in individuals affected with X-Linked Hypophosphatemic Rickets (Filisetti_1999, Zhang_2019, Xu_2022). These data indicate that the variant is likely to be associated with disease. To our knowledge, no experimental evidence demonstrating an impact on protein function has been reported. The following publications have been ascertained in the context of this evaluation (PMID: 10439971, 36060934, 30682568). ClinVar contains an entry for this variant (Variation ID: 438498). Based on the evidence outlined above, the variant was classified as pathogenic.

Labcorp Genetics (formerly Invitae), Labcorp
Classification: Pathogenic. Last evaluated: 2023-05-11. Review status: criteria provided, single submitter. Criteria: Invitae Variant Classification Sherloc (09022015). Collection method: clinical testing. Allele origin: germline.
Comment: For these reasons, this variant has been classified as Pathogenic. Studies have shown that disruption of this splice site results in skipping of exon 17, but is expected to preserve the integrity of the reading-frame (PMID: 28383812). ClinVar contains an entry for this variant (Variation ID: 438498). This variant is also known as exon 17, gt>at, splice donor. Disruption of this splice site has been observed in individuals with X-linked hypophosphataemic rickets (PMID: 10439971, 18625346, 30682568). This variant is not present in population databases (gnomAD no frequency). This sequence change affects a donor splice site in intron 17 of the PHEX gene. RNA analysis indicates that disruption of this splice site induces altered splicing and likely results in a shortened protein product.

Mendelics
Classification: Pathogenic for Familial X-linked hypophosphatemic vitamin D refractory rickets. Last evaluated: 2019-05-28. Review status: criteria provided, single submitter. Criteria: Mendelics Assertion Criteria 2017. Collection method: clinical testing. Allele origin: unknown.

Institute of Human Genetics Munich, TUM University Hospital
Classification: Pathogenic for Familial X-linked hypophosphatemic vitamin D refractory rickets. Last evaluated: 2017-06-12. Review status: criteria provided, single submitter. Criteria: Classification criteria August 2017. Collection method: clinical testing. Allele origin: germline. Inheritance: X-linked inheritance. Affected: yes. Observed: 3 heterozygotes, 3 hemizygotes.

Literature cited by the submitters: PubMed 10439971 (cited by 3 submitters); PubMed 30682568 (cited by Women's Health and Genetics/Laboratory Corporation of America, LabCorp and Labcorp Genetics (formerly Invitae), Labcorp); PubMed 36060934 (cited by Women's Health and Genetics/Laboratory Corporation of America, LabCorp); PubMed 28383812 (cited by Labcorp Genetics (formerly Invitae), Labcorp); PubMed 18625346 (cited by Labcorp Genetics (formerly Invitae), Labcorp).

NM_000444.6(PHEX):c.1768+1G>A

Genes: PHEX (phosphate regulating endopeptidase X-linked; plus strand), PTCHD1-AS (PTCHD1 and PHEX antisense RNA; minus strand). Cytogenetic location: Xp22.11.
Variant type: single nucleotide variant.
Coding change: c.1768+1G>A on transcript NM_000444.6 (MANE Select); the canonical splice donor site of the intron after coding-DNA position 1768, G replaced by A.
Molecular consequence: splice donor variant.
Genome position (GRCh38, 1-based): chrX:22,219,104, G>A. VCF-style: chrX-22219104-G-A. GRCh37 (hg19) VCF-style: chrX-22237221-G-A.
Other names: c.1768+1G>A (NM_001282754.2).
Identifiers: ClinVar variation 438498 (VCV000438498.9), dbSNP rs886041296, ClinGen allele CA412575860.
Genomic context (GRCh38, chrX:22,219,104, plus strand): 5'-GTTATGGTGCTATAGGAGTAATTGTCGGACATGAATTTACACATGGATTTGATAATAATG[G>A]TAAGTACCGGTTCATTTTATAAGCTGCTGCTTTTATAATAATGTTGACTATATGGATGTT-3'